The following is an entry in ClinVar:

NM_001184.4(ATR):c.513G>A (p.Trp171Ter)

Gene: ATR (ATR checkpoint kinase; minus strand). Cytogenetic location: 3q23.
Variant type: single nucleotide variant.
Coding change: c.513G>A on transcript NM_001184.4 (MANE Select); coding-DNA position 513, G replaced by A.
Protein change: p.Trp171Ter; replaces tryptophan 171 with a stop codon.
Molecular consequence: nonsense.
Genome position (GRCh38, 1-based): chr3:142,562,889, C>T on the plus strand (G>A on the coding strand, the complement: ATR is on the minus strand). VCF-style: chr3-142562889-C-T. GRCh37 (hg19) VCF-style: chr3-142281731-C-T.
Other names: c.513G>A, p.Trp171Ter (NM_001354579.2); short protein forms W171*.
Identifiers: ClinVar variation 3689304 (VCV003689304.2).
Genomic context (GRCh38, chr3:142,562,889, plus strand): 5'-TGATTGTAAATATCCCATGTGTTCATCTAATTGACTTAAAAATCGGCTCATGACCACTGG[C>T]CATTCCACAGCATGACCCATCACATTTCTTCTATGGAGGTAAACCAAGTCTTCAAAAAGT-3'

ClinVar aggregate classification (germline): Pathogenic (1 of 4 stars; one submission).

Submission:

Labcorp Genetics (formerly Invitae), Labcorp
Classification: Pathogenic. Last evaluated: 2024-12-12. Review status: criteria provided, single submitter. Criteria: Invitae Variant Classification Sherloc (09022015). Collection method: clinical testing. Allele origin: germline.
Comment: This sequence change creates a premature translational stop signal (p.Trp171*) in the ATR gene. It is expected to result in an absent or disrupted protein product. Loss-of-function variants in ATR are known to be pathogenic (PMID: 21228398, 23144622). This variant is not present in population databases (gnomAD no frequency). This variant has not been reported in the literature in individuals affected with ATR-related conditions. For these reasons, this variant has been classified as Pathogenic.

Literature cited by the submitters: PubMed 21228398; PubMed 23144622.